The following is an entry in ClinVar:

ClinVar aggregate classification (germline): Pathogenic. Review status: criteria provided, multiple submitters, no conflicts (2 of 4 stars). 3 submissions from 3 submitters: Pathogenic (3). Last evaluated 2025-12-19.

Conditions:
Hereditary breast ovarian cancer syndrome. Also called: BRCA1- and BRCA2-Associated Hereditary Breast and Ovarian Cancer; Hereditary breast and ovarian cancer syndrome (HBOC); Hereditary breast and/or ovarian cancer syndrome; Hereditary breast and ovarian cancer syndrome; Hereditary breast and ovarian cancer; Breast and ovarian cancer. Identifiers: Orphanet 145, MedGen C0677776, MeSH D061325, MONDO:0003582. Disease mechanism: loss of function.
Breast-ovarian cancer, familial, susceptibility to, 2 (BROVCA2). Also called: BRCA2 Hereditary Breast and Ovarian Cancer. Identifiers: Orphanet 145, MedGen C2675520, MONDO:0012933, OMIM 612555. Disease mechanism: loss of function.
Hereditary cancer-predisposing syndrome. Also called: Tumor predisposition; Hereditary neoplastic syndrome; Neoplastic Syndromes, Hereditary; Hereditary Cancer Syndrome. Identifiers: Orphanet 140162, MedGen C0027672, MeSH D009386, MONDO:0015356.

Submissions (3):

Dasa
Classification: Pathogenic for Breast-ovarian cancer, familial, susceptibility to, 2. Last evaluated: 2025-12-19. Review status: criteria provided, single submitter. Criteria: DASA Assertion Criteria. Collection method: clinical testing. Allele origin: germline.
Comment: NM_000059.4(BRCA2):c.1765_1769del (p.Lys589Tyrfs*6) is a frameshift variant in BRCA2 predicted to alter the reading frame and introduce a premature termination codon and is predicted to result in an absent or altered protein product. Loss of function is an established disease mechanism for BRCA2 (PMID: 16199546; PMID: 17063271; PMID: 25632310). The affected residue or protein region has prior evidence supporting clinical relevance. Also, this variant is rare in population databases. Based on the currently available evidence, this variant is classified as pathogenic.

Ambry Genetics
Classification: Pathogenic for Hereditary cancer-predisposing syndrome. Last evaluated: 2025-11-07. Review status: criteria provided, single submitter. Criteria: Ambry Variant Classification Scheme 2023. Collection method: clinical testing. Allele origin: germline.
Comment: The c.1765_1769delAAGTT pathogenic mutation, located in coding exon 9 of the BRCA2 gene, results from a deletion of 5 nucleotides at nucleotide positions 1765 to 1769, causing a translational frameshift with a predicted alternate stop codon (p.K589Yfs*6). This variant is considered to be rare based on population cohorts in the Genome Aggregation Database (gnomAD). This alteration is expected to result in loss of function by premature protein truncation or nonsense-mediated mRNA decay. As such, this alteration is interpreted as a disease-causing mutation.

Labcorp Genetics (formerly Invitae), Labcorp
Classification: Pathogenic for Hereditary breast ovarian cancer syndrome. Last evaluated: 2024-02-11. Review status: criteria provided, single submitter. Criteria: Invitae Variant Classification Sherloc (09022015). Collection method: clinical testing. Allele origin: germline.
Comment: This sequence change creates a premature translational stop signal (p.Lys589Tyrfs*6) in the BRCA2 gene. It is expected to result in an absent or disrupted protein product. Loss-of-function variants in BRCA2 are known to be pathogenic (PMID: 20104584). This variant is not present in population databases (gnomAD no frequency). This variant has not been reported in the literature in individuals affected with BRCA2-related conditions. ClinVar contains an entry for this variant (Variation ID: 1459403). For these reasons, this variant has been classified as Pathogenic.

Literature cited by the submitters: PubMed 16199546 (cited by Dasa); PubMed 17063271 (cited by Dasa); PubMed 25632310 (cited by Dasa); PubMed 20104584 (cited by Labcorp Genetics (formerly Invitae), Labcorp).

NM_000059.4(BRCA2):c.1765_1769del (p.Lys589fs)

Gene: BRCA2 (BRCA2 DNA repair associated; plus strand). Cytogenetic location: 13q13.1.
Variant type: Deletion.
Coding change: c.1765_1769del on transcript NM_000059.4 (MANE Select); coding-DNA positions 1765 to 1769, 5 bases deleted (AAGTT; older notation c.1765_1769delAAGTT).
Protein change: p.Lys589fs; shifts the reading frame from lysine 589.
Molecular consequence: frameshift variant.
Genome position (GRCh38, 1-based): chr13:32,333,243-32,333,247, AAGTT deleted; deleting any 5 consecutive bases within chr13:32,333,242-32,333,247 gives the same sequence; the c. name uses the placement nearest the transcript's 3' end. VCF-style (leftmost placement, unchanged base first): chr13-32333241-ATAAGT-A. GRCh37 (hg19) VCF-style: chr13-32907378-ATAAGT-A.
Other names: c.1765_1769delAAGTT (NM_000059.3); short protein forms K589fs.
Identifiers: ClinVar variation 1459403 (VCV001459403.9), dbSNP rs2137474644, ClinGen allele CA2573149311.